The following is an entry in ClinVar:

NM_000211.5(ITGB2):c.829G>A (p.Ala277Thr)

Gene: ITGB2 (integrin subunit beta 2; minus strand). Cytogenetic location: 21q22.3.
Variant type: single nucleotide variant.
Coding change: c.829G>A on transcript NM_000211.5 (MANE Select); coding-DNA position 829, G replaced by A.
Protein change: p.Ala277Thr; replaces alanine 277 with threonine.
Molecular consequence: missense variant.
Genome position (GRCh38, 1-based): chr21:44,900,388, C>T on the plus strand (G>A on the coding strand, the complement: ITGB2 is on the minus strand). VCF-style: chr21-44900388-C-T. GRCh37 (hg19) VCF-style: chr21-46320303-C-T.
Other names: c.829G>A (NM_000211.3); c.829G>A, p.Ala277Thr (NM_001127491.3); c.622G>A, p.Ala208Thr (NM_001303238.2); short protein forms A208T, A277T.
Identifiers: ClinVar variation 1060227 (VCV001060227.7), dbSNP rs752291593, ClinGen allele CA10063046.

ClinVar aggregate classification (germline): Uncertain significance. Review status: criteria provided, multiple submitters, no conflicts (2 of 4 stars). 2 submissions from 2 submitters: Uncertain significance (2). Last evaluated 2025-08-10.

Conditions:
Inborn genetic diseases. Identifiers: MedGen C0950123, MeSH D030342.
Leukocyte adhesion deficiency 1 (LAD1). Also called: LEUKOCYTE ADHESION DEFICIENCY, TYPE I; LAD 1; Lymphocyte function-associated antigen 1 immunodeficiency; LFA 1 immunodeficiency. Identifiers: Orphanet 2968, Orphanet 99842, MedGen C0398738, MONDO:0007293, OMIM 116920.

Allele frequency attached by ClinVar (database versions not stated): ExAC 0.00002; TOPMed 0.00002; gnomAD exomes 0.00003 and 0.00004.
gnomAD v4.1: 64 of 1,614,146 alleles (0.004%); highest among the groups gnomAD compares: South Asian, 0.0099%; 1 homozygote.

Submissions (2):

Ambry Genetics
Classification: Uncertain significance for Inborn genetic diseases. Last evaluated: 2025-08-10. Review status: criteria provided, single submitter. Criteria: Ambry Variant Classification Scheme 2023. Collection method: clinical testing. Allele origin: germline.

Labcorp Genetics (formerly Invitae), Labcorp
Classification: Uncertain significance for Leukocyte adhesion deficiency 1. Last evaluated: 2022-03-26. Review status: criteria provided, single submitter. Criteria: Invitae Variant Classification Sherloc (09022015). Collection method: clinical testing. Allele origin: germline.
Comment: This sequence change replaces alanine, which is neutral and non-polar, with threonine, which is neutral and polar, at codon 277 of the ITGB2 protein (p.Ala277Thr). This variant is present in population databases (rs752291593, gnomAD 0.01%), including at least one homozygous and/or hemizygous individual. This variant has not been reported in the literature in individuals affected with ITGB2-related conditions. ClinVar contains an entry for this variant (Variation ID: 1060227). Algorithms developed to predict the effect of missense changes on protein structure and function are either unavailable or do not agree on the potential impact of this missense change (SIFT: "Deleterious"; PolyPhen-2: "Benign"; Align-GVGD: "Class C55"). In summary, the available evidence is currently insufficient to determine the role of this variant in disease. Therefore, it has been classified as a Variant of Uncertain Significance.